The following is an entry in ClinVar:

ClinVar aggregate classification (germline): Uncertain significance (1 of 4 stars; one submission).

Conditions:
Inborn genetic diseases. Identifiers: MedGen C0950123, MeSH D030342.

Allele frequency attached by ClinVar (database versions not stated): TOPMed below 0.00001; gnomAD 0.00001.
gnomAD v4.1: 2 of 1,601,468 alleles (0.00012%); highest among the groups gnomAD compares: Non-Finnish European, 0.00017%; no homozygotes.

Submission:

Ambry Genetics
Classification: Uncertain significance for Inborn genetic diseases. Last evaluated: 2023-11-28. Review status: criteria provided, single submitter. Criteria: Ambry Variant Classification Scheme 2023. Collection method: clinical testing. Allele origin: germline.
Comment: The p.H1760R variant (also known as c.5279A>G), located in coding exon 30 of the ATR gene, results from an A to G substitution at nucleotide position 5279. The histidine at codon 1760 is replaced by arginine, an amino acid with highly similar properties. This amino acid position is conserved. In addition, this alteration is predicted to be tolerated by in silico analysis. Since supporting evidence is limited at this time, the clinical significance of this alteration remains unclear.

NM_001184.4(ATR):c.5279A>G (p.His1760Arg)

Gene: ATR (ATR checkpoint kinase; minus strand). Cytogenetic location: 3q23.
Variant type: single nucleotide variant.
Coding change: c.5279A>G on transcript NM_001184.4 (MANE Select); coding-DNA position 5279, A replaced by G.
Protein change: p.His1760Arg; replaces histidine 1760 with arginine.
Molecular consequence: missense variant.
Genome position (GRCh38, 1-based): chr3:142,503,371, T>C on the plus strand (A>G on the coding strand, the complement: ATR is on the minus strand). VCF-style: chr3-142503371-T-C. GRCh37 (hg19) VCF-style: chr3-142222213-T-C.
Other names: c.5087A>G, p.His1696Arg (NM_001354579.2); short protein forms H1760R, H1696R.
Identifiers: ClinVar variation 1746541 (VCV001746541.2), dbSNP rs2032077603, ClinGen allele CA354818259.